The following is an entry in ClinVar:

ClinVar aggregate classification (germline): Pathogenic/Likely pathogenic. Review status: criteria provided, multiple submitters, no conflicts (2 of 4 stars). 4 submissions from 4 submitters: Pathogenic (1); Likely pathogenic (2). 1 of the submissions does not count toward it. Last evaluated 2021-09-16.

Conditions:
Neurodevelopmental disorder. Identifiers: MedGen C1535926, MeSH D065886, MONDO:0700092.
Stickler syndrome type 2 (STL2). Also called: STICKLER SYNDROME, BEADED VITREOUS TYPE; STICKLER SYNDROME, VITREOUS TYPE 2; STICKLER SYNDROME, TYPE II; COL11A1-Related Stickler Syndrome. Identifiers: Orphanet 828, Orphanet 90654, MedGen C1858084, MONDO:0011493, OMIM 604841.

Submissions (4):

Laboratory of Molecular Genetics (Pr. Bezieau's lab), CHU de Nantes
Classification: Likely pathogenic for Neurodevelopmental disorder. Last evaluated: 2021-09-16. Review status: criteria provided, single submitter. Criteria: ACMG Guidelines, 2015. Collection method: clinical testing. Allele origin: germline. Affected: yes.

Labcorp Genetics (formerly Invitae), Labcorp
Classification: Likely pathogenic. Last evaluated: 2021-08-03. Review status: criteria provided, single submitter. Criteria: Invitae Variant Classification Sherloc (09022015). Collection method: clinical testing. Allele origin: germline.
Comment: In summary, the currently available evidence indicates that the variant is pathogenic, but additional data are needed to prove that conclusively. Therefore, this variant has been classified as Likely Pathogenic. Algorithms developed to predict the effect of sequence changes on RNA splicing suggest that this variant may disrupt the consensus splice site. This sequence change affects a donor splice site in intron 61 of the COL11A1 gene. It is expected to disrupt RNA splicing. Variants that disrupt the donor or acceptor splice site typically lead to a loss of protein function (PMID: 16199547), and loss-of-function variants in COL11A1 are known to be pathogenic (PMID: 20513134, 21035103, 23922384, 25240749, 32427345, 32756486). This variant is not present in population databases (ExAC no frequency). Disruption of this splice site has been observed in individual(s) with clinical features of Stickler syndrome (PMID: 25240749). ClinVar contains an entry for this variant (Variation ID: 289715).

Eurofins Ntd Llc (ga)
Classification: Pathogenic. Last evaluated: 2016-08-09. Review status: criteria provided, single submitter. Criteria: EGL Classification Definitions 2015. Collection method: clinical testing. Allele origin: germline. Observed: 1 variant allele, 1 heterozygote.

Autoinflammatory diseases unit, CHU de Montpellier
Classification: Likely pathogenic for Stickler syndrome type 2. Last evaluated: 2024-08-20. Review status: no assertion criteria provided. Collection method: clinical testing. Allele origin: de novo. Affected: yes. Not counted in ClinVar's aggregate classification.

Literature cited by the submitters: PubMed 16199547 (cited by Labcorp Genetics (formerly Invitae), Labcorp); PubMed 20513134 (cited by Labcorp Genetics (formerly Invitae), Labcorp); PubMed 21035103 (cited by Labcorp Genetics (formerly Invitae), Labcorp); PubMed 23922384 (cited by Labcorp Genetics (formerly Invitae), Labcorp); PubMed 25240749 (cited by Labcorp Genetics (formerly Invitae), Labcorp); PubMed 32427345 (cited by Labcorp Genetics (formerly Invitae), Labcorp); PubMed 32756486 (cited by Labcorp Genetics (formerly Invitae), Labcorp).

NM_001854.4(COL11A1):c.4554+1G>C

Gene: COL11A1 (collagen type XI alpha 1 chain; minus strand). Cytogenetic location: 1p21.1.
Variant type: single nucleotide variant.
Coding change: c.4554+1G>C on transcript NM_001854.4 (MANE Select); the canonical splice donor site of the intron after coding-DNA position 4554, G replaced by C.
Molecular consequence: splice donor variant.
Genome position (GRCh38, 1-based): chr1:102,888,722, C>G on the plus strand (G>C on the coding strand, the complement: COL11A1 is on the minus strand). VCF-style: chr1-102888722-C-G. GRCh37 (hg19) VCF-style: chr1-103354278-C-G.
Other names: c.4437+1G>C (NM_001190709.2); c.4590+1G>C (NM_080629.3); c.4206+1G>C (NM_080630.4).
Identifiers: ClinVar variation 289715 (VCV000289715.13), dbSNP rs886044244, ClinGen allele CA10606524.